The following is an entry in ClinVar:

NM_001999.4(FBN2):c.8151C>T (p.Tyr2717=)

Gene: FBN2 (fibrillin 2; minus strand). Cytogenetic location: 5q23.3.
Variant type: single nucleotide variant.
Coding change: c.8151C>T on transcript NM_001999.4 (MANE Select); coding-DNA position 8151, C replaced by T.
Protein change: p.Tyr2717=; no amino-acid change (tyrosine 2717 retained).
Molecular consequence: synonymous variant.
Genome position (GRCh38, 1-based): chr5:128,263,466, G>A on the plus strand (C>T on the coding strand, the complement: FBN2 is on the minus strand). VCF-style: chr5-128263466-G-A. GRCh37 (hg19) VCF-style: chr5-127599158-G-A.
Identifiers: ClinVar variation 3771364 (VCV003771364.13).

ClinVar aggregate classification (germline): Likely benign (1 of 4 stars; one submission).

gnomAD v4.1: 6 of 1,614,134 alleles (0.00037%); highest among the groups gnomAD compares: Middle Eastern, 0.033%; no homozygotes.

Submission:

CeGaT Center for Human Genetics Tuebingen
Classification: Likely benign. Last evaluated: 2025-02-01. Review status: criteria provided, single submitter. Criteria: CeGaT Center For Human Genetics Tuebingen Variant Classification Criteria Version 2. Collection method: clinical testing. Allele origin: germline. Affected: yes. Observed: 1 variant allele.
Comment: FBN2: BP4, BP7